The following is an entry in ClinVar:

NM_000098.3(CPT2):c.733G>T (p.Val245Phe)

Gene: CPT2 (carnitine palmitoyltransferase 2; plus strand). Cytogenetic location: 1p32.3.
Variant type: single nucleotide variant.
Coding change: c.733G>T on transcript NM_000098.3 (MANE Select); coding-DNA position 733, G replaced by T.
Protein change: p.Val245Phe; replaces valine 245 with phenylalanine.
Molecular consequence: missense variant.
Genome position (GRCh38, 1-based): chr1:53,210,407, G>T. VCF-style: chr1-53210407-G-T. GRCh37 (hg19) VCF-style: chr1-53676079-G-T.
Other names: c.733G>T, p.Val245Phe (NM_001330589.2); short protein forms V245F.
Identifiers: ClinVar variation 4693516 (VCV004693516.1).

ClinVar aggregate classification (germline): Likely pathogenic (1 of 4 stars; one submission).

Conditions:
Carnitine palmitoyltransferase II deficiency. Also called: Carnitine Palmitoyltransferase 2 Deficiency. Identifiers: Orphanet 157, MedGen C0342790, MONDO:0015515.

Submission:

Labcorp Genetics (formerly Invitae), Labcorp
Classification: Likely pathogenic for Carnitine palmitoyltransferase II deficiency. Last evaluated: 2025-02-24. Review status: criteria provided, single submitter. Criteria: Invitae Variant Classification Sherloc (09022015). Collection method: clinical testing. Allele origin: germline.
Comment: This sequence change replaces valine, which is neutral and non-polar, with phenylalanine, which is neutral and non-polar, at codon 245 of the CPT2 protein (p.Val245Phe). This variant is not present in population databases (gnomAD no frequency). This missense change has been observed in individual(s) with carnitine palmitoyltransferase II deficiency (internal data). In at least one individual the data is consistent with being in trans (on the opposite chromosome) from a pathogenic variant. Invitae Evidence Modeling of protein sequence and biophysical properties (such as structural, functional, and spatial information, amino acid conservation, physicochemical variation, residue mobility, and thermodynamic stability) indicates that this missense variant is expected to disrupt CPT2 protein function with a positive predictive value of 95%. In summary, the currently available evidence indicates that the variant is pathogenic, but additional data are needed to prove that conclusively. Therefore, this variant has been classified as Likely Pathogenic.